The following is an entry in ClinVar:

NM_001267550.2(TTN):c.97285G>A (p.Gly32429Ser)

Genes: TTN (titin; minus strand), TTN-AS1 (TTN antisense RNA 1; plus strand). Cytogenetic location: 2q31.2.
Variant type: single nucleotide variant.
Coding change: c.97285G>A on transcript NM_001267550.2 (MANE Select); coding-DNA position 97285, G replaced by A.
Protein change: p.Gly32429Ser; replaces glycine 32429 with serine.
Molecular consequence: missense variant.
Genome position (GRCh38, 1-based): chr2:178,542,471, C>T on the plus strand (G>A on the coding strand, the complement: TTN is on the minus strand). VCF-style: chr2-178542471-C-T. GRCh37 (hg19) VCF-style: chr2-179407198-C-T.
Other names: c.92362G>A, p.Gly30788Ser (NM_001256850.1); c.70090G>A, p.Gly23364Ser (NM_003319.4); c.70465G>A, p.Gly23489Ser (NM_133432.3); c.70666G>A, p.Gly23556Ser (NM_133437.4); c.89581G>A, p.Gly29861Ser (NM_133378.4); short protein forms G32429S, G29861S, G23364S, G23489S, G23556S, G30788S.
Identifiers: ClinVar variation 47583 (VCV000047583.12), dbSNP rs397517768, ClinGen allele CA141426.
Genomic context (GRCh38, chr2:178,542,471, plus strand): 5'-GCAGCCATCCTGGACGATGAGCGTCACGTTGTTCTACCACATAACCACTCAGTGGAGCAC[C>T]ACCGTCCAATTCAGGTGGTTCCCAGGAAATGGTAATTGATGTAGCATCAATTTCATCAAT-3'
Protein context (NP_001254479.2, residues 32419-32439): ISWEPPELDG[Gly32429Ser]APLSGYVVEQ

ClinVar aggregate classification (germline): Uncertain significance. Review status: criteria provided, multiple submitters, no conflicts (2 of 4 stars). 4 submissions from 4 submitters: Uncertain significance (3). 1 of the submissions does not count toward it. Last evaluated 2025-03-10.

Conditions:
TTN-related disorder. Also called: TTN-related condition; TTN-related disease; TTN-related disorders.

Allele frequency attached by ClinVar (database versions not stated): gnomAD 0.00001; gnomAD exomes 0.00002 and 0.00005; TOPMed 0.00002; ExAC 0.00003.
gnomAD v4.1: 17 of 1,613,606 alleles (0.0011%); highest among the groups gnomAD compares: Admixed American, 0.023%; no homozygotes.

Submissions (4):

Revvity Omics, Revvity
Classification: Uncertain significance. Last evaluated: 2025-03-10. Review status: criteria provided, single submitter. Criteria: ACMG Guidelines, 2015. Collection method: clinical testing. Allele origin: germline.

Genetic Services Laboratory, University of Chicago
Classification: Uncertain significance. Last evaluated: 2016-12-20. Review status: criteria provided, single submitter. Criteria: ACMG Guidelines, 2015. Collection method: clinical testing. Allele origin: germline. Affected: no.

Laboratory for Molecular Medicine, Mass General Brigham Personalized Medicine
Classification: Uncertain significance. Last evaluated: 2012-08-24. Review status: criteria provided, single submitter. Criteria: LMM Criteria. Collection method: clinical testing. Allele origin: germline. Observed: 2 variant alleles.
Comment: In addition, this variant ha s not been identified in large and broad populations by the NHLBI Exome Sequenci ng Project. Computational analyses (biochemic al amino acid properties, conservation, PolyPhen2, and SIFT) do not provide supp ort for or against an impact to the protein. Additional information is needed to fully assess the clinical significance of the Gly29861Ser variant.

PreventionGenetics, part of Exact Sciences
Classification: Uncertain significance for TTN-related condition. Last evaluated: 2024-06-08. Review status: no assertion criteria provided. Collection method: clinical testing. Allele origin: germline. Not counted in ClinVar's aggregate classification.
Comment: The TTN c.97285G>A variant is predicted to result in the amino acid substitution p.Gly32429Ser. To our knowledge, this variant has not been reported in the literature. This variant is reported in 0.035% of alleles in individuals of Latino descent in gnomAD. At this time, the clinical significance of this variant is uncertain due to the absence of conclusive functional and genetic evidence.